The following is an entry in ClinVar:

NM_001013694.3(SRRD):c.55_70dup (p.Ala24fs)

Genes: SRRD (SRR1 domain containing; plus strand), LOC130067147 (ATAC-STARR-seq lymphoblastoid active region 18791; plus strand). Cytogenetic location: 22q12.1.
Variant type: Duplication.
Coding change: c.55_70dup on transcript NM_001013694.3 (MANE Select); coding-DNA positions 55 to 70, 16 bases duplicated (AAGAGGCGCTCCGCGG).
Protein change: p.Ala24fs; shifts the reading frame from alanine 24.
Molecular consequence: frameshift variant.
Genome position (GRCh38, 1-based): chr22:26,483,945-26,483,960, AAGAGGCGCTCCGCGG duplicated; duplicating any 16 consecutive bases within chr22:26,483,936-26,483,960 gives the same sequence; the c. name uses the placement nearest the transcript's 3' end. VCF-style (leftmost placement, unchanged base first): chr22-26483935-G-GGCTCCGCGGAAGAGGC. GRCh37 (hg19) VCF-style: chr22-26879901-G-GGCTCCGCGGAAGAGGC.
Other names: c.55_70dup16 (NM_001013694.3); short protein forms A24fs.
Identifiers: ClinVar variation 4847921 (VCV004847921.1).

ClinVar aggregate classification (germline): Uncertain significance (1 of 4 stars; one submission).

Submission:

Women's Health and Genetics/Laboratory Corporation of America, LabCorp
Classification: Uncertain significance. Last evaluated: 2026-02-10. Review status: criteria provided, single submitter. Criteria: LabCorp Variant Classification Summary - May 2015. Collection method: clinical testing. Allele origin: germline.
Comment: Variant summary: SRRD c.55_70dup16 (p.Ala24GlufsX40) results in a premature termination codon, predicted to cause a truncation of the encoded protein or absence of the protein due to nonsense mediated decay, however current evidence is not sufficient to establish loss of function as a mechanism for disease. The frequency data for this variant in gnomAD is considered unreliable, as metrics indicate poor data quality at this position. To our knowledge, no occurrence of c.55_70dup16 in individuals affected with SRRD-related conditions and no experimental evidence demonstrating its impact on protein function have been reported. No submitters have cited clinical-significance assessments for this variant to ClinVar. Based on the evidence outlined above, the variant was classified as uncertain significance.